The following is an entry in ClinVar:

ClinVar aggregate classification (germline): Uncertain significance (1 of 4 stars; one submission).

Allele frequency attached by ClinVar (database versions not stated): TOPMed 0.00002; gnomAD 0.00004; 1000 Genomes Project 0.00020; 1000 Genomes Project 30x 0.00031.
gnomAD v4.1: 43 of 1,613,284 alleles (0.0027%); highest among the groups gnomAD compares: South Asian, 0.026%; no homozygotes.

Submission:

Labcorp Genetics (formerly Invitae), Labcorp
Classification: Uncertain significance. Last evaluated: 2023-11-27. Review status: criteria provided, single submitter. Criteria: Invitae Variant Classification Sherloc (09022015). Collection method: clinical testing. Allele origin: germline.
Comment: This sequence change replaces alanine, which is neutral and non-polar, with threonine, which is neutral and polar, at codon 3325 of the HMCN1 protein (p.Ala3325Thr). This variant is present in population databases (rs543118353, gnomAD 0.02%). This variant has not been reported in the literature in individuals affected with HMCN1-related conditions. ClinVar contains an entry for this variant (Variation ID: 1509869). An algorithm developed to predict the effect of missense changes on protein structure and function (PolyPhen-2) suggests that this variant is likely to be disruptive. In summary, the available evidence is currently insufficient to determine the role of this variant in disease. Therefore, it has been classified as a Variant of Uncertain Significance.

NM_031935.3(HMCN1):c.9973G>A (p.Ala3325Thr)

Gene: HMCN1 (hemicentin 1; plus strand). Cytogenetic location: 1q31.1.
Variant type: single nucleotide variant.
Coding change: c.9973G>A on transcript NM_031935.3 (MANE Select); coding-DNA position 9973, G replaced by A.
Protein change: p.Ala3325Thr; replaces alanine 3325 with threonine.
Molecular consequence: missense variant.
Genome position (GRCh38, 1-based): chr1:186,093,219, G>A. VCF-style: chr1-186093219-G-A. GRCh37 (hg19) VCF-style: chr1-186062351-G-A.
Other names: short protein forms A3325T.
Identifiers: ClinVar variation 1509869 (VCV001509869.6), dbSNP rs543118353, ClinGen allele CA1293601.